The following is an entry in ClinVar:

ClinVar aggregate classification (germline): Uncertain significance. Review status: criteria provided, multiple submitters, no conflicts (2 of 4 stars). 2 submissions from 2 submitters: Uncertain significance (2). Last evaluated 2024-10-08.

Conditions:
Hereditary cancer-predisposing syndrome. Also called: Neoplastic Syndromes, Hereditary; Tumor predisposition; Hereditary Cancer Syndrome; Hereditary neoplastic syndrome. Identifiers: Orphanet 140162, MedGen C0027672, MeSH D009386, MONDO:0015356.
Familial adenomatous polyposis 1 (FAP1). Also called: POLYPOSIS, ADENOMATOUS INTESTINAL; FAMILIAL ADENOMATOUS POLYPOSIS 1, ATTENUATED. Identifiers: MedGen C2713442, MONDO:0021056, OMIM 175100. Disease mechanism: loss of function.

Submissions (2):

Ambry Genetics
Classification: Uncertain significance for Hereditary cancer-predisposing syndrome. Last evaluated: 2024-10-08. Review status: criteria provided, single submitter. Criteria: Ambry Variant Classification Scheme 2023. Collection method: clinical testing. Allele origin: germline.
Comment: The p.H2551Y variant (also known as c.7651C>T), located in coding exon 15 of the APC gene, results from a C to T substitution at nucleotide position 7651. The histidine at codon 2551 is replaced by tyrosine, an amino acid with similar properties. This amino acid position is conserved. In addition, in silico predictors for this gene do not accurately predict pathogenicity. Based on the available evidence, the clinical significance of this variant remains unclear.

Labcorp Genetics (formerly Invitae), Labcorp
Classification: Uncertain significance for Familial adenomatous polyposis 1. Last evaluated: 2024-02-14. Review status: criteria provided, single submitter. Criteria: Invitae Variant Classification Sherloc (09022015). Collection method: clinical testing. Allele origin: germline.
Comment: This sequence change replaces histidine, which is basic and polar, with tyrosine, which is neutral and polar, at codon 2551 of the APC protein (p.His2551Tyr). This variant is not present in population databases (gnomAD no frequency). This variant has not been reported in the literature in individuals affected with APC-related conditions. ClinVar contains an entry for this variant (Variation ID: 1714064). Advanced modeling of protein sequence and biophysical properties (such as structural, functional, and spatial information, amino acid conservation, physicochemical variation, residue mobility, and thermodynamic stability) performed at Invitae indicates that this missense variant is not expected to disrupt APC protein function with a negative predictive value of 95%. In summary, the available evidence is currently insufficient to determine the role of this variant in disease. Therefore, it has been classified as a Variant of Uncertain Significance.

NM_000038.6(APC):c.7651C>T (p.His2551Tyr)

Gene: APC (APC regulator of Wnt signaling pathway; plus strand). Cytogenetic location: 5q22.2.
Variant type: single nucleotide variant.
Coding change: c.7651C>T on transcript NM_000038.6 (MANE Select); coding-DNA position 7651, C replaced by T.
Protein change: p.His2551Tyr; replaces histidine 2551 with tyrosine.
Molecular consequence: missense variant.
Genome position (GRCh38, 1-based): chr5:112,843,245, C>T. VCF-style: chr5-112843245-C-T. GRCh37 (hg19) VCF-style: chr5-112178942-C-T.
Other names: c.7651C>T, p.His2551Tyr (NM_001127510.3, NM_001354895.2, NM_001407450.1); c.7597C>T, p.His2533Tyr (NM_001127511.3); c.7705C>T, p.His2569Tyr (NM_001354896.2, NM_001407447.1, NM_001407448.1 and 1 more transcripts); c.7681C>T, p.His2561Tyr (NM_001354897.2); c.7576C>T, p.His2526Tyr (NM_001354898.2); c.7567C>T, p.His2523Tyr (NM_001354899.2); c.7528C>T, p.His2510Tyr (NM_001354900.2); c.7474C>T, p.His2492Tyr (NM_001354901.2, NM_001407453.1); and 12 more; short protein forms H2167Y, H2268Y, H2391Y, H2422Y, H2425Y, H2450Y, H2460Y, H2468Y.
Identifiers: ClinVar variation 1714064 (VCV001714064.7), dbSNP rs2149991294, ClinGen allele CA16037952.